The following is an entry in ClinVar:

NM_002485.5(NBN):c.1904A>G (p.Lys635Arg)

Genes: NBN (nibrin; minus strand), LOC126860438 (MED14-independent group 3 enhancer GRCh37_chr8:90959982-90961181; plus strand). Cytogenetic location: 8q21.3.
Variant type: single nucleotide variant.
Coding change: c.1904A>G on transcript NM_002485.5 (MANE Select); coding-DNA position 1904, A replaced by G.
Protein change: p.Lys635Arg; replaces lysine 635 with arginine.
Molecular consequence: missense variant.
Genome position (GRCh38, 1-based): chr8:89,947,834, T>C on the plus strand (A>G on the coding strand, the complement: NBN is on the minus strand). VCF-style: chr8-89947834-T-C. GRCh37 (hg19) VCF-style: chr8-90960062-T-C.
Other names: c.1658A>G, p.Lys553Arg (NM_001024688.3); short protein forms K553R, K635R.
Identifiers: ClinVar variation 3222416 (VCV003222416.1), dbSNP rs2488209234, ClinGen allele CA371677201.
Genomic context (GRCh38, chr8:89,947,834, plus strand): 5'-ACAGTCCCCGTAAGCCAAATCTGTATAAAAATTAATAAAACGTTTCTCACAGATATTTCT[T>C]TAGCTGACCATAGTGAGTCTTCCTTGAGTTCACGTTTCTTCCCAATTTCATTTTCTTGCT-3'
Protein context (NP_002476.2, residues 625-645): ELKEDSLWSA[Lys635Arg]EISNNDKLQD

ClinVar aggregate classification (germline): Uncertain significance (1 of 4 stars; one submission).

Conditions:
Hereditary cancer-predisposing syndrome. Also called: Tumor predisposition; Hereditary neoplastic syndrome; Hereditary Cancer Syndrome; Neoplastic Syndromes, Hereditary. Identifiers: Orphanet 140162, MedGen C0027672, MeSH D009386, MONDO:0015356.

Submission:

Ambry Genetics
Classification: Uncertain significance for Hereditary cancer-predisposing syndrome. Last evaluated: 2023-12-14. Review status: criteria provided, single submitter. Criteria: Ambry Variant Classification Scheme 2023. Collection method: clinical testing. Allele origin: germline.
Comment: The p.K635R variant (also known as c.1904A>G), located in coding exon 12 of the NBN gene, results from an A to G substitution at nucleotide position 1904. The lysine at codon 635 is replaced by arginine, an amino acid with highly similar properties. This amino acid position is conserved. In addition, this alteration is predicted to be tolerated by in silico analysis. Since supporting evidence is limited at this time, the clinical significance of this alteration remains unclear.